The following is an entry in ClinVar:

NM_000430.4(PAFAH1B1):c.672-12_672-9del

Gene: PAFAH1B1 (platelet activating factor acetylhydrolase 1b regulatory subunit 1; plus strand). Cytogenetic location: 17p13.3.
Variant type: Microsatellite.
Coding change: c.672-12_672-9del on transcript NM_000430.4 (MANE Select); 12 bases into the intron before coding-DNA position 672 through 9 bases into the intron before coding-DNA position 672, 4 bases deleted (TTAT; older notation c.672-12_672-9delTTAT).
Molecular consequence: intron variant.
Genome position (GRCh38, 1-based): chr17:2,674,048-2,674,051, TTAT deleted; deleting any 4 consecutive bases within chr17:2,674,044-2,674,051 gives the same sequence; the c. name uses the placement nearest the transcript's 3' end. VCF-style (leftmost placement, unchanged base first): chr17-2674043-ATTAT-A. GRCh37 (hg19) VCF-style: chr17-2577337-ATTAT-A.
Identifiers: ClinVar variation 2103436 (VCV002103436.4), dbSNP rs781662793, ClinGen allele CA8283248.

ClinVar aggregate classification (germline): Uncertain significance (1 of 4 stars; one submission).

Submission:

Labcorp Genetics (formerly Invitae), Labcorp
Classification: Uncertain significance. Last evaluated: 2023-08-30. Review status: criteria provided, single submitter. Criteria: Invitae Variant Classification Sherloc (09022015). Collection method: clinical testing. Allele origin: germline.
Comment: In summary, the available evidence is currently insufficient to determine the role of this variant in disease. Therefore, it has been classified as a Variant of Uncertain Significance. Algorithms developed to predict the effect of sequence changes on RNA splicing suggest that this variant may create or strengthen a splice site. This variant has not been reported in the literature in individuals affected with PAFAH1B1-related conditions. This variant is present in population databases (rs781662793, gnomAD 0.0009%). This sequence change falls in intron 7 of the PAFAH1B1 gene. It does not directly change the encoded amino acid sequence of the PAFAH1B1 protein.